The following is an entry in ClinVar:

ClinVar aggregate classification (germline): Uncertain significance (1 of 4 stars; one submission).

Submission:

Labcorp Genetics (formerly Invitae), Labcorp
Classification: Uncertain significance. Last evaluated: 2024-12-09. Review status: criteria provided, single submitter. Criteria: Invitae Variant Classification Sherloc (09022015). Collection method: clinical testing. Allele origin: germline.
Comment: This sequence change replaces cysteine, which is neutral and slightly polar, with tyrosine, which is neutral and polar, at codon 835 of the SZT2 protein (p.Cys835Tyr). This variant is not present in population databases (gnomAD no frequency). This variant has not been reported in the literature in individuals affected with SZT2-related conditions. ClinVar contains an entry for this variant (Variation ID: 1359183). Invitae Evidence Modeling of protein sequence and biophysical properties (such as structural, functional, and spatial information, amino acid conservation, physicochemical variation, residue mobility, and thermodynamic stability) indicates that this missense variant is not expected to disrupt SZT2 protein function with a negative predictive value of 80%. In summary, the available evidence is currently insufficient to determine the role of this variant in disease. Therefore, it has been classified as a Variant of Uncertain Significance.

NM_001365999.1(SZT2):c.2504G>A (p.Cys835Tyr)

Gene: SZT2 (SZT2 subunit of KICSTOR complex; plus strand). Cytogenetic location: 1p34.2.
Variant type: single nucleotide variant.
Coding change: c.2504G>A on transcript NM_001365999.1 (MANE Select); coding-DNA position 2504, G replaced by A.
Protein change: p.Cys835Tyr; replaces cysteine 835 with tyrosine.
Molecular consequence: missense variant.
Genome position (GRCh38, 1-based): chr1:43,424,816, G>A. VCF-style: chr1-43424816-G-A. GRCh37 (hg19) VCF-style: chr1-43890487-G-A.
Other names: c.2504G>A, p.Cys835Tyr (NM_015284.4); short protein forms C835Y.
Identifiers: ClinVar variation 1359183 (VCV001359183.8), dbSNP rs2153932972, ClinGen allele CA340013350.